The following is an entry in ClinVar:

NM_020738.4(KIDINS220):c.901-6A>T

Gene: KIDINS220 (kinase D interacting substrate 220; minus strand). Cytogenetic location: 2p25.1.
Variant type: single nucleotide variant.
Coding change: c.901-6A>T on transcript NM_020738.4 (MANE Select); 6 bases into the intron before coding-DNA position 901, A replaced by T.
Molecular consequence: intron variant.
Genome position (GRCh38, 1-based): chr2:8,798,306, T>A on the plus strand (A>T on the coding strand, the complement: KIDINS220 is on the minus strand). VCF-style: chr2-8798306-T-A. GRCh37 (hg19) VCF-style: chr2-8938436-T-A.
Other names: c.901-6A>T (NM_001348741.2, NM_001348738.2, NM_001348742.2 and 4 more transcripts); c.904-6A>T (NM_001348739.2, NM_001348740.2, NM_001348734.2 and 3 more transcripts); c.775-6A>T (NM_001348736.2).
Identifiers: ClinVar variation 1561388 (VCV001561388.10), dbSNP rs746633746, ClinGen allele CA1520307.
Genomic context (GRCh38, chr2:8,798,306, plus strand): 5'-TCACCATTGTTGCATTTCCTTTCTCAACAGCCCAATACAAAGCAGTTTTATTATCCTAGA[T>A]AATTAAAAAAAACACAATCACTTCATGTAAGATACAATATTTAAAACTGCTACTTATAAA-3'

ClinVar aggregate classification (germline): Likely benign. Review status: criteria provided, single submitter (1 of 4 stars). 2 submissions from 2 submitters: Likely benign (1). 1 of the submissions does not count toward it. Last evaluated 2025-09-25.

Conditions:
KIDINS220-related disorder. Also called: KIDINS220-related condition.

Allele frequency attached by ClinVar (database versions not stated): TOPMed 0.00002; gnomAD 0.00003; gnomAD exomes 0.00003 and 0.00004; ExAC 0.00005.
gnomAD v4.1: 48 of 1,518,732 alleles (0.0032%); highest among the groups gnomAD compares: Middle Eastern, 0.085%; no homozygotes.

Submissions (2):

Labcorp Genetics (formerly Invitae), Labcorp
Classification: Likely benign. Last evaluated: 2025-09-25. Review status: criteria provided, single submitter. Criteria: Invitae Variant Classification Sherloc (09022015). Collection method: clinical testing. Allele origin: germline.

PreventionGenetics, part of Exact Sciences
Classification: Likely benign for KIDINS220-related condition. Last evaluated: 2023-05-04. Review status: no assertion criteria provided. Collection method: clinical testing. Allele origin: germline. Not counted in ClinVar's aggregate classification.
Comment: This variant is classified as likely benign based on ACMG/AMP sequence variant interpretation guidelines (Richards et al. 2015 PMID: 25741868, with internal and published modifications).